The following is an entry in ClinVar:

NM_001122630.2(CDKN1C):c.818C>A (p.Pro273His)

Gene: CDKN1C (cyclin dependent kinase inhibitor 1C; minus strand). Cytogenetic location: 11p15.4.
Variant type: single nucleotide variant.
Coding change: c.818C>A on transcript NM_001122630.2 (MANE Select); coding-DNA position 818, C replaced by A.
Protein change: p.Pro273His; replaces proline 273 with histidine.
Molecular consequence: missense variant.
Genome position (GRCh38, 1-based): chr11:2,884,104, G>T on the plus strand (C>A on the coding strand, the complement: CDKN1C is on the minus strand). VCF-style: chr11-2884104-G-T. GRCh37 (hg19) VCF-style: chr11-2905334-G-T.
Other names: c.851C>A, p.Pro284His (NM_000076.2, NM_001362474.2); c.818C>A, p.Pro273His (NM_001122631.2); c.286C>A, p.Leu96Met (NM_001362475.2); short protein forms P273H, L96M, P284H.
Identifiers: ClinVar variation 4745320 (VCV004745320.1).

ClinVar aggregate classification (germline): Uncertain significance (1 of 4 stars; one submission).

Conditions:
Beckwith-Wiedemann syndrome (BWS). Also called: Exomphalos macroglossia gigantism syndrome; EMG SYNDROME. Identifiers: Orphanet 116, MedGen C0004903, MONDO:0007534, OMIM 130650.

Submission:

Labcorp Genetics (formerly Invitae), Labcorp
Classification: Uncertain significance for Beckwith-Wiedemann syndrome. Last evaluated: 2025-03-09. Review status: criteria provided, single submitter. Criteria: Invitae Variant Classification Sherloc (09022015). Collection method: clinical testing. Allele origin: germline.
Comment: This sequence change replaces proline, which is neutral and non-polar, with histidine, which is basic and polar, at codon 284 of the CDKN1C protein (p.Pro284His). This variant is not present in population databases (gnomAD no frequency). This variant has not been reported in the literature in individuals affected with CDKN1C-related conditions. Invitae Evidence Modeling of protein sequence and biophysical properties (such as structural, functional, and spatial information, amino acid conservation, physicochemical variation, residue mobility, and thermodynamic stability) indicates that this missense variant is not expected to disrupt CDKN1C protein function with a negative predictive value of 80%. In summary, the available evidence is currently insufficient to determine the role of this variant in disease. Therefore, it has been classified as a Variant of Uncertain Significance.